The following is an entry in ClinVar:

NM_001371986.1(UNC80):c.2951C>T (p.Ala984Val)

Gene: UNC80 (unc-80 homolog, NALCN channel complex subunit; plus strand). Cytogenetic location: 2q34.
Variant type: single nucleotide variant.
Coding change: c.2951C>T on transcript NM_001371986.1 (MANE Select); coding-DNA position 2951, C replaced by T.
Protein change: p.Ala984Val; replaces alanine 984 with valine.
Molecular consequence: missense variant.
Genome position (GRCh38, 1-based): chr2:209,834,920, C>T. VCF-style: chr2-209834920-C-T. GRCh37 (hg19) VCF-style: chr2-210699644-C-T.
Other names: c.2951C>T, p.Ala984Val (NM_032504.2); c.2936C>T, p.Ala979Val (NM_182587.4); short protein forms A979V, A984V.
Identifiers: ClinVar variation 1357069 (VCV001357069.5), dbSNP rs776433985, ClinGen allele CA2083061.
Genomic context (GRCh38, chr2:209,834,920, plus strand): 5'-AAGACTTGCTATCCTGCTCTGCTGTAATTGTTGGAATGCACCATTTGCATAGGTCAGAGG[C>T]GGGAAGCATTGTGGATAAAGGCCAGGTATCCTCTGCACCTGAGGAATGTCGCAGCTTCAT-3'
Protein context (NP_001358915.1, residues 974-994): SKPAGSKRSE[Ala984Val]GSIVDKGQVS

ClinVar aggregate classification (germline): Uncertain significance (1 of 4 stars; one submission).

Allele frequency attached by ClinVar (database versions not stated): TOPMed 0.00002; gnomAD 0.00004 and 0.00005; gnomAD exomes 0.00004 and 0.00009; ExAC 0.00018.
gnomAD v4.1: 65 of 1,549,344 alleles (0.0042%); highest among the groups gnomAD compares: South Asian, 0.044%; 1 homozygote.

Submission:

Labcorp Genetics (formerly Invitae), Labcorp
Classification: Uncertain significance. Last evaluated: 2022-07-23. Review status: criteria provided, single submitter. Criteria: Invitae Variant Classification Sherloc (09022015). Collection method: clinical testing. Allele origin: germline.
Comment: This sequence change replaces alanine, which is neutral and non-polar, with valine, which is neutral and non-polar, at codon 984 of the UNC80 protein (p.Ala984Val). This variant is present in population databases (rs776433985, gnomAD 0.04%), including at least one homozygous and/or hemizygous individual. This variant has not been reported in the literature in individuals affected with UNC80-related conditions. ClinVar contains an entry for this variant (Variation ID: 1357069). Algorithms developed to predict the effect of missense changes on protein structure and function are either unavailable or do not agree on the potential impact of this missense change (SIFT: "Not Available"; PolyPhen-2: "Benign"; Align-GVGD: "Not Available"). Algorithms developed to predict the effect of sequence changes on RNA splicing suggest that this variant may create or strengthen a splice site. In summary, the available evidence is currently insufficient to determine the role of this variant in disease. Therefore, it has been classified as a Variant of Uncertain Significance.